The following is an entry in ClinVar:

NM_020937.4(FANCM):c.2837A>G (p.Tyr946Cys)

Gene: FANCM (FA complementation group M; plus strand). Cytogenetic location: 14q21.2.
Variant type: single nucleotide variant.
Coding change: c.2837A>G on transcript NM_020937.4 (MANE Select); coding-DNA position 2837, A replaced by G.
Protein change: p.Tyr946Cys; replaces tyrosine 946 with cysteine.
Molecular consequence: missense variant.
Genome position (GRCh38, 1-based): chr14:45,175,591, A>G. VCF-style: chr14-45175591-A-G. GRCh37 (hg19) VCF-style: chr14-45644794-A-G.
Other names: c.2759A>G, p.Tyr920Cys (NM_001308133.2); short protein forms Y920C, Y946C.
Identifiers: ClinVar variation 3015545 (VCV003015545.4), dbSNP rs746265152, ClinGen allele CA7169416.

ClinVar aggregate classification (germline): Uncertain significance. Review status: criteria provided, multiple submitters, no conflicts (2 of 4 stars). 2 submissions from 2 submitters: Uncertain significance (2). Last evaluated 2024-01-23.

Conditions:
Fanconi anemia (FA). Also called: Fanconi's anemia. Identifiers: Orphanet 84, MedGen C0015625, MeSH D005199, MONDO:0019391.
Spermatogenic failure 28. Identifiers: MedGen C4748117, MONDO:0054732, OMIM 618086.
Premature ovarian failure 15. Identifiers: MedGen C4748170, MONDO:0054862, OMIM 618096.

Allele frequency attached by ClinVar (database versions not stated): ExAC 0.00001; gnomAD 0.00001; gnomAD exomes 0.00001; TOPMed 0.00001.
gnomAD v4.1: 10 of 1,613,594 alleles (0.00062%); highest among the groups gnomAD compares: Non-Finnish European, 0.00076%; no homozygotes.

Submissions (2):

Fulgent Genetics
Classification: Uncertain significance for Spermatogenic failure 28; Premature ovarian failure 15. Last evaluated: 2024-01-23. Review status: criteria provided, single submitter. Criteria: ACMG Guidelines, 2015. Collection method: clinical testing. Allele origin: germline.

Labcorp Genetics (formerly Invitae), Labcorp
Classification: Uncertain significance for Fanconi anemia. Last evaluated: 2023-10-23. Review status: criteria provided, single submitter. Criteria: Invitae Variant Classification Sherloc (09022015). Collection method: clinical testing. Allele origin: germline.
Comment: This sequence change replaces tyrosine, which is neutral and polar, with cysteine, which is neutral and slightly polar, at codon 946 of the FANCM protein (p.Tyr946Cys). This variant is present in population databases (rs746265152, gnomAD 0.0009%). This variant has not been reported in the literature in individuals affected with FANCM-related conditions. An algorithm developed to predict the effect of missense changes on protein structure and function (PolyPhen-2) suggests that this variant is likely to be disruptive. In summary, the available evidence is currently insufficient to determine the role of this variant in disease. Therefore, it has been classified as a Variant of Uncertain Significance.